The following is an entry in ClinVar:

ClinVar aggregate classification (germline): Benign. Review status: criteria provided, multiple submitters, no conflicts (2 of 4 stars). 7 submissions from 7 submitters: Benign (7). Last evaluated 2026-02-02.

Conditions:
Episodic ataxia type 1 (EA1). Also called: MYOKYMIA WITH PERIODIC ATAXIA; PAROXYSMAL ATAXIA WITH NEUROMYOTONIA, HEREDITARY; ATAXIA, EPISODIC, WITH MYOKYMIA; Episodic ataxia/myokymia syndrome. Identifiers: Orphanet 37612, Orphanet 972, MedGen C1719788, MONDO:0008047, OMIM 160120.

Allele frequency attached by ClinVar (database versions not stated): ESP Exome Variant Server 0.00031; gnomAD 0.00299 and 0.00442; TOPMed 0.00543; ExAC 0.00928; gnomAD exomes 0.00928; 1000 Genomes Project 30x 0.02264; 1000 Genomes Project 0.02496.
gnomAD v4.1: 6,077 of 1,612,308 alleles (0.38%); highest among the groups gnomAD compares: East Asian, 12%; 326 homozygotes.

Submissions (7):

Labcorp Genetics (formerly Invitae), Labcorp
Classification: Benign for Episodic ataxia type 1. Last evaluated: 2026-02-02. Review status: criteria provided, single submitter. Criteria: Invitae Variant Classification Sherloc (09022015). Collection method: clinical testing. Allele origin: germline.

Athena Diagnostics
Classification: Benign. Last evaluated: 2023-12-11. Review status: criteria provided, single submitter. Criteria: Athena Diagnostics Criteria. Collection method: clinical testing. Allele origin: unknown.

Mayo Clinic Laboratories, Mayo Clinic
Classification: Benign. Last evaluated: 2021-11-04. Review status: criteria provided, single submitter. Criteria: ACMG Guidelines, 2015. Collection method: clinical testing. Allele origin: germline. Observed: 5 variant alleles.

GeneDx
Classification: Benign. Last evaluated: 2018-11-12. Review status: criteria provided, single submitter. Criteria: GeneDx Variant Classification Process June 2021. Collection method: clinical testing. Allele origin: germline. Affected: yes.

Illumina Laboratory Services, Illumina
Classification: Benign for Episodic ataxia type 1. Last evaluated: 2018-01-12. Review status: criteria provided, single submitter. Criteria: ICSL Variant Classification Criteria 13 December 2019. Collection method: clinical testing. Allele origin: germline.
Comment: This variant was observed in the ICSL laboratory as part of a predisposition screen in an ostensibly healthy population. It had not been previously curated by ICSL or reported in the Human Gene Mutation Database (HGMD: prior to June 1st, 2018), and was therefore a candidate for classification through an automated scoring system. Utilizing variant allele frequency, disease prevalence and penetrance estimates, and inheritance mode, an automated score was calculated to assess if this variant is too frequent to cause the disease. Based on the score and internal cut-off values, a variant classified as benign is not then subjected to further curation. The score for this variant resulted in a classification of benign for this disease.

Eurofins Ntd Llc (ga)
Classification: Benign. Last evaluated: 2014-06-05. Review status: criteria provided, single submitter. Criteria: EGL Classification Definitions 2015. Collection method: clinical testing. Allele origin: germline. Observed: 1 variant allele, 1 heterozygote.

Breakthrough Genomics
Classification: Benign. Review status: criteria provided, single submitter. Criteria: ACMG Guidelines, 2015. Collection method: not provided. Allele origin: germline. Inheritance: Autosomal dominant inheritance. Affected: yes.

NM_000217.3(KCNA1):c.1296C>G (p.Ser432=)

Gene: KCNA1 (potassium voltage-gated channel subfamily A member 1; plus strand). Cytogenetic location: 12p13.32.
Variant type: single nucleotide variant.
Coding change: c.1296C>G on transcript NM_000217.3 (MANE Select); coding-DNA position 1296, C replaced by G.
Protein change: p.Ser432=; no amino-acid change (serine 432 retained).
Molecular consequence: synonymous variant.
Genome position (GRCh38, 1-based): chr12:4,912,674, C>G. VCF-style: chr12-4912674-C-G. GRCh37 (hg19) VCF-style: chr12-5021840-C-G.
Other names: p.Ser432=.
Identifiers: ClinVar variation 195045 (VCV000195045.27), dbSNP rs76066681, ClinGen allele CA201514.